The following is an entry in ClinVar:

NM_172107.4(KCNQ2):c.388-1G>C

Gene: KCNQ2 (potassium voltage-gated channel subfamily Q member 2; minus strand). Cytogenetic location: 20q13.33.
Variant type: single nucleotide variant.
Coding change: c.388-1G>C on transcript NM_172107.4 (MANE Select); the canonical splice acceptor site of the intron before coding-DNA position 388, G replaced by C.
Molecular consequence: splice acceptor variant.
Genome position (GRCh38, 1-based): chr20:63,445,365, C>G on the plus strand (G>C on the coding strand, the complement: KCNQ2 is on the minus strand). VCF-style: chr20-63445365-C-G. GRCh37 (hg19) VCF-style: chr20-62076718-C-G.
Other names: c.388-1G>C (NM_004518.6, NM_172108.5, NM_172106.3 and 2 more transcripts).
Identifiers: ClinVar variation 2498893 (VCV002498893.28), dbSNP rs6089914, ClinGen allele CA409655676.

ClinVar aggregate classification (germline): Pathogenic (1 of 4 stars; one submission).

Submission:

CeGaT Center for Human Genetics Tuebingen
Classification: Pathogenic. Last evaluated: 2023-03-01. Review status: criteria provided, single submitter. Criteria: CeGaT Center For Human Genetics Tuebingen Variant Classification Criteria Version 2. Collection method: clinical testing. Allele origin: germline. Affected: yes. Observed: 1 variant allele.
Comment: KCNQ2: PVS1, PM2